The following is an entry in ClinVar:

ClinVar aggregate classification (germline): Uncertain significance (1 of 4 stars; one submission).

Submission:

GeneDx
Classification: Uncertain significance. Last evaluated: 2026-01-30. Review status: criteria provided, single submitter. Criteria: GeneDx Variant Classification Process June 2021. Collection method: clinical testing. Allele origin: germline.
Comment: Not observed at significant frequency in large population cohorts (gnomAD); In silico analysis supports that this missense variant has a deleterious effect on protein structure/function; Has not been previously published as pathogenic or benign to our knowledge

NM_001042681.2(RERE):c.1084A>G (p.Thr362Ala)

Gene: RERE (arginine-glutamic acid dipeptide repeats; minus strand). Cytogenetic location: 1p36.23.
Variant type: single nucleotide variant.
Coding change: c.1084A>G on transcript NM_001042681.2 (MANE Select); coding-DNA position 1084, A replaced by G.
Protein change: p.Thr362Ala; replaces threonine 362 with alanine.
Molecular consequence: missense variant.
Genome position (GRCh38, 1-based): chr1:8,495,083, T>C on the plus strand (A>G on the coding strand, the complement: RERE is on the minus strand). VCF-style: chr1-8495083-T-C. GRCh37 (hg19) VCF-style: chr1-8555143-T-C.
Other names: c.1084A>G, p.Thr362Ala (NM_012102.4); short protein forms T362A.
Identifiers: ClinVar variation 4975401 (VCV004975401.1).